The following is an entry in ClinVar:

NM_001282684.2(KCTD17):c.557A>G (p.Lys186Arg)

Gene: KCTD17 (potassium channel tetramerization domain containing 17; plus strand). Cytogenetic location: 22q12.3.
Variant type: single nucleotide variant.
Coding change: c.557A>G on transcript NM_001282684.2 (MANE Select); coding-DNA position 557, A replaced by G.
Protein change: p.Lys186Arg; replaces lysine 186 with arginine.
Molecular consequence: missense variant.
Genome position (GRCh38, 1-based): chr22:37,059,383, A>G. VCF-style: chr22-37059383-A-G. GRCh37 (hg19) VCF-style: chr22-37455423-A-G.
Other names: c.557A>G, p.Lys186Arg (NM_001282685.2, NM_001282686.2, NM_024681.4); c.578A>G (NM_024681.2); short protein forms K186R.
Identifiers: ClinVar variation 2754093 (VCV002754093.4), dbSNP rs373819500, ClinGen allele CA10215077.

ClinVar aggregate classification (germline): Uncertain significance. Review status: criteria provided, multiple submitters, no conflicts (2 of 4 stars). 2 submissions from 2 submitters: Uncertain significance (2). Last evaluated 2025-11-24.

Conditions:
Myoclonic dystonia 26. Identifiers: MedGen C4225341, MONDO:0014620, OMIM 616398.
Inborn genetic diseases. Identifiers: MedGen C0950123, MeSH D030342.

Allele frequency attached by ClinVar (database versions not stated): ExAC 0.00001; gnomAD 0.00001; gnomAD exomes 0.00004; ESP Exome Variant Server 0.00008.
gnomAD v4.1: 63 of 1,612,838 alleles (0.0039%); highest among the groups gnomAD compares: Non-Finnish European, 0.0049%; no homozygotes.

Submissions (2):

Labcorp Genetics (formerly Invitae), Labcorp
Classification: Uncertain significance for Myoclonic dystonia 26. Last evaluated: 2025-11-24. Review status: criteria provided, single submitter. Criteria: Invitae Variant Classification Sherloc (09022015). Collection method: clinical testing. Allele origin: germline.
Comment: This sequence change replaces lysine, which is basic and polar, with arginine, which is basic and polar, at codon 193 of the KCTD17 protein (p.Lys193Arg). This variant is present in population databases (rs373819500, gnomAD 0.003%). This variant has not been reported in the literature in individuals affected with KCTD17-related conditions. ClinVar contains an entry for this variant (Variation ID: 2754093). Invitae Evidence Modeling of protein sequence and biophysical properties (such as structural, functional, and spatial information, amino acid conservation, physicochemical variation, residue mobility, and thermodynamic stability) indicates that this missense variant is not expected to disrupt KCTD17 protein function with a negative predictive value of 80%. In summary, the available evidence is currently insufficient to determine the role of this variant in disease. Therefore, it has been classified as a Variant of Uncertain Significance.

Ambry Genetics
Classification: Uncertain significance for Inborn genetic diseases. Last evaluated: 2025-08-23. Review status: criteria provided, single submitter. Criteria: Ambry Variant Classification Scheme 2023. Collection method: clinical testing. Allele origin: germline.